The following is an entry in ClinVar:

ClinVar aggregate classification (germline): Likely benign. Review status: criteria provided, multiple submitters, no conflicts (2 of 4 stars). 2 submissions from 2 submitters: Likely benign (2). Last evaluated 2025-07-01.

Allele frequency attached by ClinVar (database versions not stated): ESP Exome Variant Server 0.00092; gnomAD exomes 0.00113 and 0.00075; 1000 Genomes Project 30x 0.00031; 1000 Genomes Project 0.00040; ExAC 0.00067; gnomAD 0.00074 and 0.00076; TOPMed 0.00087.
gnomAD v4.1: 1,781 of 1,614,070 alleles (0.11%); highest among the groups gnomAD compares: Non-Finnish European, 0.14%; no homozygotes.

Submissions (2):

CeGaT Center for Human Genetics Tuebingen
Classification: Likely benign. Last evaluated: 2025-07-01. Review status: criteria provided, single submitter. Criteria: CeGaT Center For Human Genetics Tuebingen Variant Classification Criteria Version 2. Collection method: clinical testing. Allele origin: germline. Affected: yes. Observed: 2 variant alleles.
Comment: ELP2: BP4, BP7

Labcorp Genetics (formerly Invitae), Labcorp
Classification: Likely benign. Last evaluated: 2019-12-31. Review status: criteria provided, single submitter. Criteria: Invitae Variant Classification Sherloc (09022015). Collection method: clinical testing. Allele origin: germline.

NM_018255.4(ELP2):c.1938A>G (p.Thr646=)

Gene: ELP2 (elongator acetyltransferase complex subunit 2; plus strand). Cytogenetic location: 18q12.2.
Variant type: single nucleotide variant.
Coding change: c.1938A>G on transcript NM_018255.4 (MANE Select); coding-DNA position 1938, A replaced by G.
Protein change: p.Thr646=; no amino-acid change (threonine 646 retained).
Molecular consequence: synonymous variant. On other transcripts: non-coding transcript variant (4).
Genome position (GRCh38, 1-based): chr18:36,164,651, A>G. VCF-style: chr18-36164651-A-G. GRCh37 (hg19) VCF-style: chr18-33744614-A-G.
Other names: c.2133A>G, p.Thr711= (NM_001242875.3); c.1923A>G, p.Thr641= (NM_001242876.3); c.1860A>G, p.Thr620= (NM_001242877.3); c.1728A>G, p.Thr576= (NM_001242878.3, NM_001242879.3); c.1806A>G, p.Thr602= (NM_001324465.2); c.2055A>G, p.Thr685= (NM_001324466.2); c.1788A>G, p.Thr596= (NM_001324467.2); c.1491A>G, p.Thr497= (NM_001324468.2).
Identifiers: ClinVar variation 781875 (VCV000781875.28), dbSNP rs141646549, ClinGen allele CA8940107.